The following is an entry in ClinVar:

NM_004360.5(CDH1):c.8C>G (p.Pro3Arg)

Gene: CDH1 (cadherin 1; plus strand). Cytogenetic location: 16q22.1.
Variant type: single nucleotide variant.
Coding change: c.8C>G on transcript NM_004360.5 (MANE Select); coding-DNA position 8, C replaced by G.
Protein change: p.Pro3Arg; replaces proline 3 with arginine.
Molecular consequence: missense variant. On other transcripts: 5 prime UTR variant (2).
Genome position (GRCh38, 1-based): chr16:68,737,423, C>G. VCF-style: chr16-68737423-C-G. GRCh37 (hg19) VCF-style: chr16-68771326-C-G.
Other names: p.P3R:CCT>CGT; c.8C>G (LRG_301t1); c.8C>G, p.Pro3Arg (NM_001317184.2); c.-1608C>G (NM_001317185.2); c.-1812C>G (NM_001317186.2); short protein forms P3R.
Identifiers: ClinVar variation 142469 (VCV000142469.50), dbSNP rs587782484, ClinGen allele CA294410.

ClinVar aggregate classification (germline): Likely benign. Review status: reviewed by expert panel (3 of 4 stars). 20 submissions from 20 submitters: Likely benign (1). 19 of the submissions do not count toward it. Last evaluated 2023-08-17.

Conditions:
Hereditary diffuse gastric adenocarcinoma (HDGC). Also called: DIFFUSE GASTRIC AND LOBULAR BREAST CANCER SYNDROME. Identifiers: Orphanet 26106, MedGen C1708349, MONDO:0007648, OMIM 137215.
Malignant tumor of breast. Also called: Malignant breast neoplasm; Cancer breast. Identifiers: MedGen C0006142, MONDO:0007254. Disease mechanism: loss of function.
Familial cancer of breast. Also called: hereditary breast carcinoma; BREAST CANCER, FAMILIAL; Hereditary breast cancer. Identifiers: Orphanet 227535, MedGen C0346153, MONDO:0016419, OMIM 114480. Disease mechanism: loss of function.
Ovarian cancer. Also called: OVARIAN CANCER, SOMATIC. Identifiers: Orphanet 213500, MedGen C1140680, MONDO:0008170, OMIM 167000.
CDH1-related disorder. Also called: CDH1-related condition.
CDH1-related diffuse gastric and lobular breast cancer syndrome. Also called: CDH1-related diffuse gastric and lobular breast cancer. Identifiers: MedGen CN311521, MONDO:0100488.
Hereditary cancer-predisposing syndrome. Also called: Tumor predisposition; Hereditary Cancer Syndrome; Neoplastic Syndromes, Hereditary; Hereditary neoplastic syndrome. Identifiers: Orphanet 140162, MedGen C0027672, MeSH D009386, MONDO:0015356.
Breast and/or ovarian cancer. Identifiers: MedGen CN221562.
Endometrial carcinoma. Also called: Endometrial carcinoma, somatic. Identifiers: MedGen C0476089, MONDO:0002447, OMIM 608089, HP:0012114.

Allele frequency attached by ClinVar (database versions not stated): TOPMed 0.00005; gnomAD 0.00021 and 0.00023.
gnomAD v4.1: 187 of 1,534,038 alleles (0.012%); highest among the groups gnomAD compares: Non-Finnish European, 0.012%; no homozygotes.

Submissions (20):

Clingen Gastric Cancer Variant Curation Expert Panel
Classification: Likely benign for CDH1-related diffuse gastric and lobular breast cancer syndrome. Last evaluated: 2023-08-17. Review status: reviewed by expert panel. Criteria: ClinGen CDH1 ACMG Specifications V3.1. Collection method: curation. Allele origin: germline. Inheritance: Autosomal dominant inheritance.
Comment: The c.8C>G (p.Pro3Arg) variant has an allele frequency of 0.00025 (39/155276) in gnomAD and is observed in multiple subpopulations, with a maximum frequency of 0.00072 (7/9712) in the European (Finnish) subpopulation. This variant was observed more than 70 probands without a personal history of DGC, SRC tumours or LBC and whose families do not meet HDGC clinical criteria (BS2; SCV000210891.12, SCV000186617.6). The variant has also been identified in at least 5 individuals with LBC but whose families do not meet HDGC clinical criteria (PMID: 20921021, SCV000210891.12). This variant is located in the signal peptide of the E-cadherin pre-protein and would be predicted to impact membrane localization. However, localization to the plasma membrane was not affected when the variant was expressed in cells lacking endogenous expression of E-cadherin (PMID: 20921021). In summary, the clinical significance of this variant is classified as likely benign based on BS2 alone. ACMG/AMP criteria applied, as specified by the CDH1 Variant Curation Expert Panel (Variant Interpretation Guidelines Version 3.1): BS2.

Labcorp Genetics (formerly Invitae), Labcorp
Classification: Likely benign for Hereditary diffuse gastric adenocarcinoma. Last evaluated: 2026-01-31. Review status: criteria provided, single submitter. Criteria: Invitae Variant Classification Sherloc (09022015). Collection method: clinical testing. Allele origin: germline. Not counted in ClinVar's aggregate classification.

Center for Genomic Medicine, Rigshospitalet, Copenhagen University Hospital
Classification: Likely benign. Last evaluated: 2025-03-04. Review status: criteria provided, single submitter. Criteria: ACMG Guidelines, 2015. Collection method: clinical testing. Allele origin: germline. Not counted in ClinVar's aggregate classification.

Laboratory of Genetics, Children's Clinical University Hospital Latvia
Classification: Benign. Last evaluated: 2025-02-16. Review status: criteria provided, single submitter. Criteria: ACMG Guidelines, 2015. Collection method: clinical testing. Allele origin: germline. Affected: yes. Not counted in ClinVar's aggregate classification.

Blueprint Genetics
Classification: Likely benign. Last evaluated: 2024-09-13. Review status: criteria provided, single submitter. Criteria: ACMG Guidelines, 2015. Collection method: clinical testing. Allele origin: germline. Not counted in ClinVar's aggregate classification.

Molecular Pathology, Peter Maccallum Cancer Centre
Classification: Likely benign for Hereditary diffuse gastric adenocarcinoma. Last evaluated: 2024-03-19. Review status: criteria provided, single submitter. Criteria: ACMG Guidelines, 2015. Collection method: clinical testing. Allele origin: germline. Inheritance: Autosomal dominant inheritance. Not counted in ClinVar's aggregate classification.

Department of Pathology and Laboratory Medicine, Sinai Health System
Classification: Likely benign for Familial cancer of breast; Ovarian cancer. Last evaluated: 2023-03-10. Review status: criteria provided, single submitter. Criteria: ACMG Guidelines, 2015. Collection method: clinical testing. Allele origin: germline. Affected: yes. Not counted in ClinVar's aggregate classification.

Myriad Genetics, Inc.
Classification: Uncertain significance for Hereditary diffuse gastric adenocarcinoma. Last evaluated: 2023-03-06. Review status: criteria provided, single submitter. Criteria: Myriad Autosomal Dominant, Autosomal Recessive and X-Linked Classification Criteria (2023). Collection method: clinical testing. Allele origin: unknown. Not counted in ClinVar's aggregate classification.
Comment: This variant is classified as a variant of uncertain significance as there is insufficient evidence to determine its impact on protein function and/or cancer risk.

CHEO Genetics Diagnostic Laboratory, Children's Hospital of Eastern Ontario
Classification: Likely benign for Breast and/or ovarian cancer. Last evaluated: 2022-12-08. Review status: criteria provided, single submitter. Criteria: ACMG Guidelines, 2015. Collection method: clinical testing. Allele origin: germline. Not counted in ClinVar's aggregate classification.

European Reference Network on Genetic Tumour Risk Syndromes (ERN-GENTURIS), i3s - Instituto de Investigação e Inovação em Saúde, University of Porto
Classification: Likely benign for Hereditary diffuse gastric adenocarcinoma. Last evaluated: 2022-08-01. Review status: criteria provided, single submitter. Criteria: Lee et al. (Hum Mutat. 2018). Collection method: clinical testing. Allele origin: germline. Inheritance: Autosomal dominant inheritance. Affected: no. Study: ERN GENTURIS. Not counted in ClinVar's aggregate classification.
Comment: BS2 (PMID: 30311375)

Women's Health and Genetics/Laboratory Corporation of America, LabCorp
Classification: Likely benign. Last evaluated: 2022-05-31. Review status: criteria provided, single submitter. Criteria: LabCorp Variant Classification Summary - May 2015. Collection method: clinical testing. Allele origin: germline. Not counted in ClinVar's aggregate classification.
Comment: Variant summary: CDH1 c.8C>G (p.Pro3Arg) results in a non-conservative amino acid change in the encoded protein sequence. Three of five in-silico tools predict a benign effect of the variant on protein function. The variant allele was found at a frequency of 0.00024 in 160470 control chromosomes. The observed variant frequency is approximately 8 fold of the estimated maximal expected allele frequency for a pathogenic variant in CDH1 causing Hereditary Diffuse Gastric Cancer phenotype (2.8e-05), strongly suggesting that the variant is benign. The variant, c.8C>G, has been reported in the literature in individuals affected with breast cancer, ovarian cancer or colorectal cancer (Schrader_2010, Kraus_2017, Yurgelun_2017). These reports do not provide unequivocal conclusions about association of the variant with Hereditary Diffuse Gastric Cancer. To our knowledge, no experimental evidence demonstrating an impact on protein function has been reported. Nine clinical diagnostic laboratories have submitted clinical-significance assessments for this variant to ClinVar after 2014 without evidence for independent evaluation. Multiple laboratories reported the variant with conflicting assessments (likely benign n=6, VUS n=3). Based on the evidence outlined above, the variant was classified as likely benign.

Sema4
Classification: Likely benign for Hereditary cancer-predisposing syndrome. Last evaluated: 2021-04-12. Review status: criteria provided, single submitter. Criteria: Sema4 Curation Guidelines. Collection method: curation. Allele origin: germline. Not counted in ClinVar's aggregate classification.

Quest Diagnostics Nichols Institute San Juan Capistrano
Classification: Likely benign. Last evaluated: 2021-01-06. Review status: criteria provided, single submitter. Criteria: Quest Diagnostics criteria. Collection method: clinical testing. Allele origin: unknown. Not counted in ClinVar's aggregate classification.

Color Diagnostics, LLC DBA Color Health
Classification: Likely benign for Hereditary cancer-predisposing syndrome. Last evaluated: 2020-05-11. Review status: criteria provided, single submitter. Criteria: ACMG Guidelines, 2015. Collection method: clinical testing. Allele origin: germline. Not counted in ClinVar's aggregate classification.

GeneDx
Classification: Likely benign. Last evaluated: 2019-12-01. Review status: criteria provided, single submitter. Criteria: GeneDx Variant Classification Process June 2021. Collection method: clinical testing. Allele origin: germline. Affected: yes. Not counted in ClinVar's aggregate classification.
Comment: This variant is associated with the following publications: (PMID: 27616075, 20921021, 25925381)

Ambry Genetics
Classification: Likely benign for Hereditary cancer-predisposing syndrome. Last evaluated: 2019-11-27. Review status: criteria provided, single submitter. Criteria: Ambry Variant Classification Scheme 2023. Collection method: clinical testing. Allele origin: germline. Not counted in ClinVar's aggregate classification.

Centre for Mendelian Genomics, University Medical Centre Ljubljana
Classification: Uncertain significance for Endometrial carcinoma. Last evaluated: 2018-11-17. Review status: criteria provided, single submitter. Criteria: ACMG Guidelines, 2015. Collection method: clinical testing. Allele origin: unknown. Affected: yes. Not counted in ClinVar's aggregate classification.
Comment: This variant was classified as: Uncertain significance. The available evidence on this variant's pathogenicity is insufficient or conflicting. The following ACMG criteria were applied in classifying this variant: BP4.

Breakthrough Genomics
Classification: Likely benign. Review status: criteria provided, single submitter. Criteria: ACMG Guidelines, 2015. Collection method: not provided. Allele origin: germline. Inheritance: Autosomal dominant inheritance. Affected: yes. Not counted in ClinVar's aggregate classification.

PreventionGenetics, part of Exact Sciences
Classification: Likely benign for CDH1-related condition. Last evaluated: 2021-02-18. Review status: no assertion criteria provided. Collection method: clinical testing. Allele origin: germline. Not counted in ClinVar's aggregate classification.
Comment: This variant is classified as likely benign based on ACMG/AMP sequence variant interpretation guidelines (Richards et al. 2015 PMID: 25741868, with internal and published modifications).

Counsyl
Classification: Uncertain significance for Hereditary diffuse gastric adenocarcinoma. Last evaluated: 2016-03-10. Review status: no assertion criteria provided. Collection method: clinical testing. Allele origin: unknown. Not counted in ClinVar's aggregate classification.

Literature cited by the submitters: PubMed 27616075 (cited by 3 submitters); PubMed 20921021 (cited by 4 submitters); PubMed 28135145 (cited by 3 submitters); PubMed 36436516 (cited by European Reference Network on Genetic Tumour Risk Syndromes (ERN-GENTURIS), i3s - Instituto de Investigação e Inovação em Saúde, University of Porto); PubMed 26182300 (cited by Women's Health and Genetics/Laboratory Corporation of America, LabCorp and Quest Diagnostics Nichols Institute San Juan Capistrano); PubMed 27720647 (cited by Women's Health and Genetics/Laboratory Corporation of America, LabCorp and Quest Diagnostics Nichols Institute San Juan Capistrano).